The following is an entry in ClinVar:

NM_003489.4(NRIP1):c.3210C>T (p.Tyr1070=)

Gene: NRIP1 (nuclear receptor interacting protein 1; minus strand). Cytogenetic location: 21q11.2.
Variant type: single nucleotide variant.
Coding change: c.3210C>T on transcript NM_003489.4 (MANE Select); coding-DNA position 3210, C replaced by T.
Protein change: p.Tyr1070=; no amino-acid change (tyrosine 1070 retained).
Molecular consequence: synonymous variant.
Genome position (GRCh38, 1-based): chr21:14,964,983, G>A on the plus strand (C>T on the coding strand, the complement: NRIP1 is on the minus strand). VCF-style: chr21-14964983-G-A. GRCh37 (hg19) VCF-style: chr21-16337304-G-A.
Identifiers: ClinVar variation 3047101 (VCV003047101.3), dbSNP rs200111158, ClinGen allele CA9981011.

ClinVar aggregate classification (germline): Benign. Review status: criteria provided, single submitter (1 of 4 stars). 2 submissions from 2 submitters: Benign (1). 1 of the submissions does not count toward it. Last evaluated 2025-05-23.

Conditions:
NRIP1-related disorder. Also called: NRIP1-related condition.

Allele frequency attached by ClinVar (database versions not stated): gnomAD exomes 0.00003; gnomAD 0.00005; TOPMed 0.00006; ExAC 0.00013; 1000 Genomes Project 30x 0.00016; 1000 Genomes Project 0.00020.
gnomAD v4.1: 48 of 1,613,984 alleles (0.003%); highest among the groups gnomAD compares: East Asian, 0.098%; no homozygotes.

Submissions (2):

Labcorp Genetics (formerly Invitae), Labcorp
Classification: Benign. Last evaluated: 2025-05-23. Review status: criteria provided, single submitter. Criteria: Invitae Variant Classification Sherloc (09022015). Collection method: clinical testing. Allele origin: germline.

PreventionGenetics, part of Exact Sciences
Classification: Likely benign for NRIP1-related condition. Last evaluated: 2022-06-27. Review status: no assertion criteria provided. Collection method: clinical testing. Allele origin: germline. Not counted in ClinVar's aggregate classification.
Comment: This variant is classified as likely benign based on ACMG/AMP sequence variant interpretation guidelines (Richards et al. 2015 PMID: 25741868, with internal and published modifications).